The following is an entry in ClinVar:

ClinVar aggregate classification (germline): Uncertain significance (1 of 4 stars; one submission).

Submission:

ARUP Laboratories, Molecular Genetics and Genomics, ARUP Laboratories
Classification: Uncertain significance. Last evaluated: 2025-02-13. Review status: criteria provided, single submitter. Criteria: ARUP Molecular Germline Variant Investigation Process 2024. Collection method: clinical testing. Allele origin: germline.
Comment: The HOXD10 c.170T>C; p.Leu57Pro variant (rs201449517) is reported in the literature in one individual affected with split hand/foot malformation, though it was considered unlikely to cause the phenotype and not investigated beyond use of predictive algorithms (Carter 2017). This variant is found in the general population with an overall allele frequency of 0.012% (33/282874 alleles) in the Genome Aggregation Database (v2.1.1). Computational analyses are uncertain whether this variant is neutral or deleterious (REVEL: 0.317). Due to limited information, the clinical significance of this variant is uncertain at this time. References: Carter TC et al. Copy-number variants and candidate gene mutations in isolated split hand/foot malformation. J Hum Genet. 2017 Oct;62(10):877-884. PMID: 28539665.

NM_002148.4(HOXD10):c.170T>C (p.Leu57Pro)

Gene: HOXD10 (homeobox D10; plus strand). Cytogenetic location: 2q31.1.
Variant type: single nucleotide variant.
Coding change: c.170T>C on transcript NM_002148.4 (MANE Select); coding-DNA position 170, T replaced by C.
Protein change: p.Leu57Pro; replaces leucine 57 with proline.
Molecular consequence: missense variant.
Genome position (GRCh38, 1-based): chr2:176,117,003, T>C. VCF-style: chr2-176117003-T-C. GRCh37 (hg19) VCF-style: chr2-176981731-T-C.
Other names: short protein forms L57P.
Identifiers: ClinVar variation 4685617 (VCV004685617.1).